The following is an entry in ClinVar:

ClinVar aggregate classification (germline): Uncertain significance (1 of 4 stars; one submission).

Conditions:
Bardet-Biedl syndrome (BBS). Identifiers: Orphanet 110, MedGen C0752166, MONDO:0015229.
McKusick-Kaufman syndrome (MKKS). Also called: HYDROMETROCOLPOS SYNDROME; HYDROMETROCOLPOS, POSTAXIAL POLYDACTYLY, AND CONGENITAL HEART MALFORMATION. Identifiers: Orphanet 2473, MedGen C0948368, MONDO:0009367, OMIM 236700.

Allele frequency attached by ClinVar (database versions not stated): gnomAD exomes below 0.00001; ExAC 0.00002; gnomAD 0.00005 and 0.00006; TOPMed 0.00005; ESP Exome Variant Server 0.00008.
gnomAD v4.1: 9 of 1,614,034 alleles (0.00056%); highest among the groups gnomAD compares: African/African-American, 0.011%; no homozygotes.

Submission:

Labcorp Genetics (formerly Invitae), Labcorp
Classification: Uncertain significance for McKusick-Kaufman syndrome; Bardet-Biedl syndrome. Last evaluated: 2022-11-01. Review status: criteria provided, single submitter. Criteria: Invitae Variant Classification Sherloc (09022015). Collection method: clinical testing. Allele origin: germline.
Comment: This variant is present in population databases (rs376038160, gnomAD 0.02%). This sequence change replaces valine, which is neutral and non-polar, with isoleucine, which is neutral and non-polar, at codon 457 of the MKKS protein (p.Val457Ile). This variant has not been reported in the literature in individuals affected with MKKS-related conditions. In summary, the available evidence is currently insufficient to determine the role of this variant in disease. Therefore, it has been classified as a Variant of Uncertain Significance. Algorithms developed to predict the effect of missense changes on protein structure and function (SIFT, PolyPhen-2, Align-GVGD) all suggest that this variant is likely to be tolerated. ClinVar contains an entry for this variant (Variation ID: 1410035).

NM_170784.3(MKKS):c.1369G>A (p.Val457Ile)

Gene: MKKS (MKKS centrosomal shuttling protein; minus strand). Cytogenetic location: 20p12.2.
Variant type: single nucleotide variant.
Coding change: c.1369G>A on transcript NM_170784.3 (MANE Select); coding-DNA position 1369, G replaced by A.
Protein change: p.Val457Ile; replaces valine 457 with isoleucine.
Molecular consequence: missense variant. On other transcripts: non-coding transcript variant (1).
Genome position (GRCh38, 1-based): chr20:10,405,591, C>T on the plus strand (G>A on the coding strand, the complement: MKKS is on the minus strand). VCF-style: chr20-10405591-C-T. GRCh37 (hg19) VCF-style: chr20-10386239-C-T.
Other names: c.1369G>A, p.Val457Ile (NM_018848.3); short protein forms V457I.
Identifiers: ClinVar variation 1410035 (VCV001410035.6), dbSNP rs376038160, ClinGen allele CA9763485.